The following is an entry in ClinVar:

NM_001393997.1(CCAR2):c.1845+3G>A

Gene: CCAR2 (cell cycle and apoptosis regulator 2; plus strand). Cytogenetic location: 8p21.3.
Variant type: single nucleotide variant.
Coding change: c.1845+3G>A on transcript NM_001393997.1 (MANE Select); 3 bases into the intron after coding-DNA position 1845, G replaced by A.
Molecular consequence: intron variant.
Genome position (GRCh38, 1-based): chr8:22,616,251, G>A. VCF-style: chr8-22616251-G-A. GRCh37 (hg19) VCF-style: chr8-22473764-G-A.
Other names: c.1845+3G>A (NM_001363069.2, NM_021174.6, NM_001363068.2 and 1 more transcripts).
Identifiers: ClinVar variation 2658472 (VCV002658472.25), dbSNP rs201747747, ClinGen allele CA4670911.

ClinVar aggregate classification (germline): Likely benign. Review status: criteria provided, single submitter (1 of 4 stars). 2 submissions from 2 submitters: Likely benign (1). 1 of the submissions does not count toward it. Last evaluated 2022-06-01.

Conditions:
CCAR2-related disorder. Also called: CCAR2-related condition.

Allele frequency attached by ClinVar (database versions not stated): 1000 Genomes Project 30x 0.00141; 1000 Genomes Project 0.00180; ESP Exome Variant Server 0.00438; ExAC 0.00528.

Submissions (2):

CeGaT Center for Human Genetics Tuebingen
Classification: Likely benign. Last evaluated: 2022-06-01. Review status: criteria provided, single submitter. Criteria: CeGaT Center For Human Genetics Tuebingen Variant Classification Criteria Version 2. Collection method: clinical testing. Allele origin: germline. Affected: yes. Observed: 1 variant allele.
Comment: CCAR2: BP4, BS2

PreventionGenetics, part of Exact Sciences
Classification: Benign for CCAR2-related condition. Last evaluated: 2019-06-11. Review status: no assertion criteria provided. Collection method: clinical testing. Allele origin: germline. Not counted in ClinVar's aggregate classification.
Comment: This variant is classified as benign based on ACMG/AMP sequence variant interpretation guidelines (Richards et al. 2015 PMID: 25741868, with internal and published modifications).